The following is an entry in ClinVar:

NC_000005.9:g.(113740554_113798745)_(113832194_?)del

Gene: KCNN2 (potassium calcium-activated channel subfamily N member 2; plus strand). Cytogenetic location: 5q22.3.
Variant type: Deletion.
Identifiers: ClinVar variation 4526147 (VCV004526147.1).

ClinVar aggregate classification (germline): Pathogenic (1 of 4 stars; one submission).

Conditions:
KCNN2-related disorder. Also called: KCNN2-related condition; KCNN2-Related Disorders.

Submission:

Women's Health and Genetics/Laboratory Corporation of America, LabCorp
Classification: Pathogenic for KCNN2-Related Disorders. Last evaluated: 2025-07-29. Review status: criteria provided, single submitter. Criteria: LabCorp Variant Classification Summary - May 2015. Collection method: clinical testing. Allele origin: germline.
Comment: Variant summary: The variant involves the deletion of exons 4-8 in the KCNN2 gene. The exact breakpoint at the distal 3' end of this variant is unknown, therefore this deletion may extend downstream of the annotated region of the gene. As it encompasses the termination codon, it is predicted to escape nonsense mediated decay (NMD). A presumed nomenclature of c.(1637+1_1638-1)_(*315_?)del has been designated for the purposes of this classification. The variant was absent in 21694 control chromosomes. To our knowledge, no occurrence of c.(1637+1_1638-1)_(*315_?)del in individuals affected with KCNN2-Related Disorders and no experimental evidence demonstrating its impact on protein function have been reported. A variant within the deleted region has been classified likely pathogenic in ClinVar (c.1720G>A , p.Gly574Ser Variation ID: 933146 ). No submitters have cited clinical-significance assessments for this variant to ClinVar. Based on the evidence outlined above, the variant was classified as pathogenic.